The following is an entry in ClinVar:

ClinVar aggregate classification (germline): Benign (0 of 4 stars; one submission).

Conditions:
RECQL5-related disorder. Also called: RECQL5-related condition.

Allele frequency attached by ClinVar (database versions not stated): 1000 Genomes Project 0.53994.

Submission:

PreventionGenetics, part of Exact Sciences
Classification: Benign for RECQL5-related condition. Last evaluated: 2019-12-19. Review status: no assertion criteria provided. Collection method: clinical testing. Allele origin: germline.
Comment: This variant is classified as benign based on ACMG/AMP sequence variant interpretation guidelines (Richards et al. 2015 PMID: 25741868, with internal and published modifications).

NM_004259.7(RECQL5):c.1586-7_1586-6insA

Gene: RECQL5 (RecQ like helicase 5; minus strand). Cytogenetic location: 17q25.1.
Variant type: Insertion.
Coding change: c.1586-7_1586-6insA on transcript NM_004259.7 (MANE Select); 7 bases into the intron before coding-DNA position 1586 through 6 bases into the intron before coding-DNA position 1586, A inserted.
Molecular consequence: intron variant.
Genome position: GRCh38 VCF-style: chr17-75630843-G-GT. GRCh37 (hg19) VCF-style: chr17-73626923-G-GT.
Identifiers: ClinVar variation 3060018 (VCV003060018.2), dbSNP rs1555706003, ClinGen allele CA8767378.
Genomic context (GRCh38, chr17:75,630,843, plus strand): 5'-ACAGTCAGCCTGGGGATCCTCCTGCTAGAAGCCTCTTTCAGGGGACAGTTCTCATCTGTG[G>GT]GGGGGGGGGGTGGTCCTTGGTCCTTTCGCTCCACCTTCTGCGCTCTGAGGTCCCCCACAG-3'